The following is an entry in ClinVar:

NM_017763.6(RNF43):c.662G>A (p.Arg221Gln)

Gene: RNF43 (ring finger protein 43; minus strand). Cytogenetic location: 17q22.
Variant type: single nucleotide variant.
Coding change: c.662G>A on transcript NM_017763.6 (MANE Select); coding-DNA position 662, G replaced by A.
Protein change: p.Arg221Gln; replaces arginine 221 with glutamine.
Molecular consequence: missense variant.
Genome position (GRCh38, 1-based): chr17:58,362,569, C>T on the plus strand (G>A on the coding strand, the complement: RNF43 is on the minus strand). VCF-style: chr17-58362569-C-T. GRCh37 (hg19) VCF-style: chr17-56439930-C-T.
Other names: c.662G>A, p.Arg221Gln (NM_001305544.3); c.281G>A, p.Arg94Gln (NM_001305545.2); short protein forms R221Q, R94Q.
Identifiers: ClinVar variation 1169480 (VCV001169480.23), dbSNP rs2285990, ClinGen allele CA8673354.

ClinVar aggregate classification (germline): Benign. Review status: criteria provided, multiple submitters, no conflicts (2 of 4 stars). 9 submissions from 9 submitters: Benign (7). 2 of the submissions do not count toward it. Last evaluated 2026-06-30.

Conditions:
Sessile serrated polyposis cancer syndrome (SSPCS). Identifiers: Orphanet 157798, MedGen C4310714, MONDO:0014919, OMIM 617108.

Allele frequency attached by ClinVar (database versions not stated): ESP Exome Variant Server 0.00038; gnomAD exomes 0.00242 and 0.00512; gnomAD 0.00247 and 0.00161; ExAC 0.00531; 1000 Genomes Project 0.01198; TOPMed 0.00264; 1000 Genomes Project 30x 0.01062.
gnomAD v4.1: 3,956 of 1,608,752 alleles (0.25%); highest among the groups gnomAD compares: East Asian, 7.2%; 143 homozygotes.

Submissions (9):

Myriad Genetics, Inc.
Classification: Benign for Sessile serrated polyposis cancer syndrome. Last evaluated: 2026-06-30. Review status: criteria provided, single submitter. Criteria: Myriad Autosomal Dominant, Autosomal Recessive and X-Linked Classification Criteria (2023). Collection method: clinical testing. Allele origin: unknown.
Comment: This variant is considered benign. This variant has been observed at a population frequency that is significantly greater than expected given the associated disease prevalence and penetrance.

Labcorp Genetics (formerly Invitae), Labcorp
Classification: Benign. Last evaluated: 2026-01-27. Review status: criteria provided, single submitter. Criteria: Invitae Variant Classification Sherloc (09022015). Collection method: clinical testing. Allele origin: germline.

Center for Genomic Medicine, Rigshospitalet, Copenhagen University Hospital
Classification: Benign. Last evaluated: 2025-03-04. Review status: criteria provided, single submitter. Criteria: ACMG Guidelines, 2015. Collection method: clinical testing. Allele origin: germline.

Ambry Genetics
Classification: Benign. Last evaluated: 2024-10-28. Review status: criteria provided, single submitter. Criteria: Ambry Variant Classification Scheme 2023. Collection method: clinical testing. Allele origin: germline.

Department of Pathology and Laboratory Medicine, Sinai Health System
Classification: Benign for Sessile serrated polyposis cancer syndrome. Last evaluated: 2021-08-04. Review status: criteria provided, single submitter. Criteria: ACMG Guidelines, 2015. Collection method: clinical testing. Allele origin: germline.

GeneDx
Classification: Benign. Last evaluated: 2019-07-26. Review status: criteria provided, single submitter. Criteria: GeneDx Variant Classification Process June 2021. Collection method: clinical testing. Allele origin: germline. Affected: yes.

Breakthrough Genomics
Classification: Benign. Review status: criteria provided, single submitter. Criteria: ACMG Guidelines, 2015. Collection method: not provided. Allele origin: germline. Inheritance: Autosomal dominant inheritance. Affected: yes.

Clinical Genetics, Academic Medical Center
Classification: Benign. Review status: no assertion criteria provided. Collection method: clinical testing. Allele origin: germline. Affected: yes. Study: VKGL Data-share Consensus. Not counted in ClinVar's aggregate classification.

Genome Diagnostics Laboratory, Amsterdam University Medical Center
Classification: Benign. Review status: no assertion criteria provided. Collection method: clinical testing. Allele origin: germline. Affected: yes. Study: VKGL Data-share Consensus. Not counted in ClinVar's aggregate classification.